The following is an entry in ClinVar:

NM_004281.4(BAG3):c.-293T>A

Gene: BAG3 (BAG cochaperone 3; plus strand). Cytogenetic location: 10q26.11.
Variant type: single nucleotide variant.
Coding change: c.-293T>A on transcript NM_004281.4 (MANE Select); 293 bases upstream of the start codon, T replaced by A.
Molecular consequence: 5 prime UTR variant.
Genome position (GRCh38, 1-based): chr10:119,651,383, T>A. VCF-style: chr10-119651383-T-A. GRCh37 (hg19) VCF-style: chr10-121410895-T-A.
Identifiers: ClinVar variation 298948 (VCV000298948.37), dbSNP rs557535632, ClinGen allele CA10634751.

ClinVar aggregate classification (germline): Conflicting classifications of pathogenicity. Review status: criteria provided, conflicting classifications (1 of 4 stars). 4 submissions from 3 submitters: Uncertain significance (3); Likely benign (1). Last evaluated 2023-03-01.

Conditions:
Dilated cardiomyopathy 1HH (CMD1HH). Identifiers: Orphanet 154, MedGen C3151293, MONDO:0013479, OMIM 613881.
Myofibrillar myopathy 6. Identifiers: Orphanet 199340, MedGen C2751831, MONDO:0013061, OMIM 612954.

Allele frequency attached by ClinVar (database versions not stated): 1000 Genomes Project 0.00040; 1000 Genomes Project 30x 0.00047; TOPMed 0.00227; gnomAD 0.00269 and 0.00284; gnomAD exomes 0.00323.
gnomAD v4.1: 873 of 302,260 alleles (0.29%); highest among the groups gnomAD compares: Non-Finnish European, 0.47%; 1 homozygote.

Submissions (4):

CeGaT Center for Human Genetics Tuebingen
Classification: Likely benign. Last evaluated: 2023-03-01. Review status: criteria provided, single submitter. Criteria: CeGaT Center For Human Genetics Tuebingen Variant Classification Criteria Version 2. Collection method: clinical testing. Allele origin: germline. Affected: yes. Observed: 9 variant alleles.
Comment: BAG3: BS1

Illumina Laboratory Services, Illumina
Classification: Uncertain significance for Myofibrillar myopathy 6. Last evaluated: 2018-01-13. Review status: criteria provided, single submitter. Criteria: ICSL Variant Classification Criteria 13 December 2019. Collection method: clinical testing. Allele origin: germline.

Illumina Laboratory Services, Illumina
Classification: Uncertain significance for Dilated cardiomyopathy 1HH. Last evaluated: 2018-01-13. Review status: criteria provided, single submitter. Criteria: ICSL Variant Classification Criteria 13 December 2019. Collection method: clinical testing. Allele origin: germline.

Breakthrough Genomics
Classification: Uncertain significance. Review status: criteria provided, single submitter. Criteria: ACMG Guidelines, 2015. Collection method: not provided. Allele origin: germline. Inheritance: Autosomal dominant inheritance. Affected: yes.